The following is an entry in ClinVar:

NM_000059.4(BRCA2):c.6898C>G (p.Gln2300Glu)

Gene: BRCA2 (BRCA2 DNA repair associated; plus strand). Cytogenetic location: 13q13.1.
Variant type: single nucleotide variant.
Coding change: c.6898C>G on transcript NM_000059.4 (MANE Select); coding-DNA position 6898, C replaced by G.
Protein change: p.Gln2300Glu; replaces glutamine 2300 with glutamic acid.
Molecular consequence: missense variant. On other transcripts: non-coding transcript variant (1), intron variant (1).
Genome position (GRCh38, 1-based): chr13:32,344,614, C>G. VCF-style: chr13-32344614-C-G. GRCh37 (hg19) VCF-style: chr13-32918751-C-G.
Other names: c.6898C>G, p.Gln2300Glu (NM_001406720.1, NM_001432077.1); c.1966C>G, p.Gln656Glu (NM_001406721.1); c.481C>G, p.Gln161Glu (NM_001406722.1); c.6842-2213C>G (NM_001406719.1); short protein forms Q161E, Q2300E, Q656E.
Identifiers: ClinVar variation 4802331 (VCV004802331.1).

ClinVar aggregate classification (germline): Uncertain significance (1 of 4 stars; one submission).

Conditions:
Hereditary breast ovarian cancer syndrome. Also called: Hereditary breast and ovarian cancer syndrome (HBOC); Hereditary breast and ovarian cancer; Breast and ovarian cancer; Hereditary breast and/or ovarian cancer syndrome; BRCA1- and BRCA2-Associated Hereditary Breast and Ovarian Cancer; Hereditary breast and ovarian cancer syndrome. Identifiers: Orphanet 145, MedGen C0677776, MeSH D061325, MONDO:0003582. Disease mechanism: loss of function.

Submission:

Labcorp Genetics (formerly Invitae), Labcorp
Classification: Uncertain significance for Hereditary breast ovarian cancer syndrome. Last evaluated: 2025-07-30. Review status: criteria provided, single submitter. Criteria: Invitae Variant Classification Sherloc (09022015). Collection method: clinical testing. Allele origin: germline.
Comment: This sequence change replaces glutamine, which is neutral and polar, with glutamic acid, which is acidic and polar, at codon 2300 of the BRCA2 protein (p.Gln2300Glu). This variant is not present in population databases (gnomAD no frequency). This variant has not been reported in the literature in individuals affected with BRCA2-related conditions. Invitae Evidence Modeling of protein sequence and biophysical properties (such as structural, functional, and spatial information, amino acid conservation, physicochemical variation, residue mobility, and thermodynamic stability) indicates that this missense variant is not expected to disrupt BRCA2 protein function with a negative predictive value of 95%. In summary, the available evidence is currently insufficient to determine the role of this variant in disease. Therefore, it has been classified as a Variant of Uncertain Significance.